The following is an entry in ClinVar:

NM_001365276.2(TNXB):c.6697G>C (p.Gly2233Arg)

Gene: TNXB (tenascin XB; minus strand). Cytogenetic location: 6p21.33.
Variant type: single nucleotide variant.
Coding change: c.6697G>C on transcript NM_001365276.2 (MANE Select); coding-DNA position 6697, G replaced by C.
Protein change: p.Gly2233Arg; replaces glycine 2233 with arginine.
Molecular consequence: missense variant.
Genome position (GRCh38, 1-based): chr6:32,064,965, C>G on the plus strand (G>C on the coding strand, the complement: TNXB is on the minus strand). VCF-style: chr6-32064965-C-G. GRCh37 (hg19) VCF-style: chr6-32032742-C-G.
Other names: c.6697G>C, p.Gly2233Arg (NM_019105.8); short protein forms G2233R.
Identifiers: ClinVar variation 1754930 (VCV001754930.2), dbSNP rs1778249439, ClinGen allele CA363555308.
Genomic context (GRCh38, chr6:32,064,965, plus strand): 5'-CCAGGCCCGAGATGGTGACCCCATCCTCGTGTCCCGGCACCCGCACCGCCTTGGGCTGCC[C>G]GTCCCCATTCTTAAACTGGACCAAGAAATGGTCAAACTGGCCCTCGGGGACTGTCCAGGA-3'
Protein context (NP_001352205.1, residues 2223-2243): HFLVQFKNGD[Gly2233Arg]QPKAVRVPGH

ClinVar aggregate classification (germline): Uncertain significance (1 of 4 stars; one submission).

Conditions:
Cardiovascular phenotype. Identifiers: MedGen CN230736.

Submission:

Ambry Genetics
Classification: Uncertain significance for Cardiovascular phenotype. Last evaluated: 2022-10-23. Review status: criteria provided, single submitter. Criteria: Ambry Variant Classification Scheme 2023. Collection method: clinical testing. Allele origin: germline.
Comment: The p.G2233R variant (also known as c.6697G>C), located in coding exon 18 of the TNXB gene, results from a G to C substitution at nucleotide position 6697. The glycine at codon 2233 is replaced by arginine, an amino acid with dissimilar properties. This amino acid position is conserved. In addition, this alteration is predicted to be tolerated by in silico analysis. Since supporting evidence is limited at this time, the clinical significance of this alteration remains unclear.